The following is an entry in ClinVar:

ClinVar aggregate classification (germline): Likely benign. Review status: criteria provided, multiple submitters, no conflicts (2 of 4 stars). 3 submissions from 3 submitters: Likely benign (2). 1 of the submissions does not count toward it. Last evaluated 2023-11-14.

Conditions:
KIF5C-related disorder. Also called: KIF5C-related condition.

Allele frequency attached by ClinVar (database versions not stated): gnomAD 0.00008 and 0.00009; TOPMed 0.00008; gnomAD exomes 0.00011 and 0.00013; ExAC 0.00012.
gnomAD v4.1: 176 of 1,613,722 alleles (0.011%); highest among the groups gnomAD compares: Non-Finnish European, 0.014%; 1 homozygote.

Submissions (3):

Blueprint Genetics
Classification: Likely benign. Last evaluated: 2023-11-14. Review status: criteria provided, single submitter. Criteria: ACMG Guidelines, 2015. Collection method: clinical testing. Allele origin: germline.

GeneDx
Classification: Likely benign. Last evaluated: 2020-02-17. Review status: criteria provided, single submitter. Criteria: GeneDx Variant Classification Process June 2021. Collection method: clinical testing. Allele origin: germline. Affected: yes.

PreventionGenetics, part of Exact Sciences
Classification: Likely benign for KIF5C-related condition. Last evaluated: 2024-08-25. Review status: no assertion criteria provided. Collection method: clinical testing. Allele origin: germline. Not counted in ClinVar's aggregate classification.
Comment: This variant is classified as likely benign based on ACMG/AMP sequence variant interpretation guidelines (Richards et al. 2015 PMID: 25741868, with internal and published modifications).

NM_004522.3(KIF5C):c.771G>A (p.Lys257=)

Gene: KIF5C (kinesin family member 5C; plus strand). Cytogenetic location: 2q23.1.
Variant type: single nucleotide variant.
Coding change: c.771G>A on transcript NM_004522.3 (MANE Select); coding-DNA position 771, G replaced by A.
Protein change: p.Lys257=; no amino-acid change (lysine 257 retained).
Molecular consequence: synonymous variant. On other transcripts: non-coding transcript variant (1).
Genome position (GRCh38, 1-based): chr2:148,949,895, G>A. VCF-style: chr2-148949895-G-A. GRCh37 (hg19) VCF-style: chr2-149806409-G-A.
Identifiers: ClinVar variation 1193797 (VCV001193797.5), dbSNP rs769397087, ClinGen allele CA1901315.